The following is an entry in ClinVar:

NM_014633.5(CTR9):c.593-8T>A

Gene: CTR9 (CTR9 component of Paf1/RNA polymerase II complex; plus strand). Cytogenetic location: 11p15.4.
Variant type: single nucleotide variant.
Coding change: c.593-8T>A on transcript NM_014633.5 (MANE Select); 8 bases into the intron before coding-DNA position 593, T replaced by A.
Molecular consequence: intron variant.
Genome position (GRCh38, 1-based): chr11:10,760,165, T>A. VCF-style: chr11-10760165-T-A. GRCh37 (hg19) VCF-style: chr11-10781712-T-A.
Other names: c.593-8T>A (NM_001346279.2).
Identifiers: ClinVar variation 1022437 (VCV001022437.9), dbSNP rs779845463, ClinGen allele CA5884913.

ClinVar aggregate classification (germline): Uncertain significance. Review status: criteria provided, multiple submitters, no conflicts (2 of 4 stars). 2 submissions from 2 submitters: Uncertain significance (2). Last evaluated 2025-11-22.

Allele frequency attached by ClinVar (database versions not stated): gnomAD 0.00001; ExAC 0.00002; gnomAD exomes 0.00003; TOPMed 0.00003.
gnomAD v4.1: 51 of 1,612,398 alleles (0.0032%); highest among the groups gnomAD compares: Admixed American, 0.0067%; no homozygotes.

Submissions (2):

Labcorp Genetics (formerly Invitae), Labcorp
Classification: Uncertain significance. Last evaluated: 2025-11-22. Review status: criteria provided, single submitter. Criteria: Invitae Variant Classification Sherloc (09022015). Collection method: clinical testing. Allele origin: germline.
Comment: This sequence change falls in intron 5 of the CTR9 gene. It does not directly change the encoded amino acid sequence of the CTR9 protein. This variant is present in population databases (rs779845463, gnomAD 0.006%). This variant has not been reported in the literature in individuals affected with CTR9-related conditions. ClinVar contains an entry for this variant (Variation ID: 1022437). Algorithms developed to predict the effect of sequence changes on RNA splicing suggest that this variant may disrupt the consensus splice site. In summary, the available evidence is currently insufficient to determine the role of this variant in disease. Therefore, it has been classified as a Variant of Uncertain Significance.

Breakthrough Genomics
Classification: Uncertain significance. Review status: criteria provided, single submitter. Criteria: ACMG Guidelines, 2015. Collection method: not provided. Allele origin: germline. Inheritance: Unknown mechanism. Affected: yes.